The following is an entry in ClinVar:

NM_001190274.2(FBXO11):c.1961A>G (p.Glu654Gly)

Gene: FBXO11 (F-box protein 11; minus strand). Cytogenetic location: 2p16.3.
Variant type: single nucleotide variant.
Coding change: c.1961A>G on transcript NM_001190274.2 (MANE Select); coding-DNA position 1961, A replaced by G.
Protein change: p.Glu654Gly; replaces glutamic acid 654 with glycine.
Molecular consequence: missense variant.
Genome position (GRCh38, 1-based): chr2:47,818,824, T>C on the plus strand (A>G on the coding strand, the complement: FBXO11 is on the minus strand). VCF-style: chr2-47818824-T-C. GRCh37 (hg19) VCF-style: chr2-48045963-T-C.
Other names: c.1709A>G, p.Glu570Gly (NM_001374325.1, NM_025133.4); short protein forms E654G, E570G.
Identifiers: ClinVar variation 4715759 (VCV004715759.1).

ClinVar aggregate classification (germline): Likely pathogenic (1 of 4 stars; one submission).

Submission:

Labcorp Genetics (formerly Invitae), Labcorp
Classification: Likely pathogenic. Last evaluated: 2025-03-23. Review status: criteria provided, single submitter. Criteria: Invitae Variant Classification Sherloc (09022015). Collection method: clinical testing. Allele origin: germline.
Comment: This sequence change replaces glutamic acid, which is acidic and polar, with glycine, which is neutral and non-polar, at codon 654 of the FBXO11 protein (p.Glu654Gly). This variant is not present in population databases (gnomAD no frequency). This missense change has been observed in individual(s) with FBXO11-related conditions (internal data). In at least one individual the variant was observed to be de novo. An algorithm developed to predict the effect of missense changes on protein structure and function (PolyPhen-2) suggests that this variant is likely to be disruptive. In summary, the currently available evidence indicates that the variant is pathogenic, but additional data are needed to prove that conclusively. Therefore, this variant has been classified as Likely Pathogenic.